The following is an entry in ClinVar:

ClinVar aggregate classification (germline): Uncertain significance (1 of 4 stars; one submission).

Allele frequency attached by ClinVar (database versions not stated): gnomAD exomes below 0.00001.
gnomAD v4.1: 1 of 1,613,958 alleles (0.000062%); highest among the groups gnomAD compares: Non-Finnish European, 0.000085%; no homozygotes.

Submission:

Labcorp Genetics (formerly Invitae), Labcorp
Classification: Uncertain significance. Last evaluated: 2021-08-09. Review status: criteria provided, single submitter. Criteria: Invitae Variant Classification Sherloc (09022015). Collection method: clinical testing. Allele origin: germline.
Comment: This sequence change replaces threonine with isoleucine at codon 615 of the GPR179 protein (p.Thr615Ile). The threonine residue is highly conserved and there is a moderate physicochemical difference between threonine and isoleucine. This variant is not present in population databases (ExAC no frequency). This variant has not been reported in the literature in individuals affected with GPR179-related conditions. Algorithms developed to predict the effect of missense changes on protein structure and function are either unavailable or do not agree on the potential impact of this missense change (SIFT: "Deleterious"; PolyPhen-2: "Probably Damaging"; Align-GVGD: "Class C0"). In summary, the available evidence is currently insufficient to determine the role of this variant in disease. Therefore, it has been classified as a Variant of Uncertain Significance.

NM_001004334.4(GPR179):c.1844C>T (p.Thr615Ile)

Gene: GPR179 (G protein-coupled receptor 179; minus strand). Cytogenetic location: 17q12.
Variant type: single nucleotide variant.
Coding change: c.1844C>T on transcript NM_001004334.4 (MANE Select); coding-DNA position 1844, C replaced by T.
Protein change: p.Thr615Ile; replaces threonine 615 with isoleucine.
Molecular consequence: missense variant.
Genome position (GRCh38, 1-based): chr17:38,333,979, G>A on the plus strand (C>T on the coding strand, the complement: GPR179 is on the minus strand). VCF-style: chr17-38333979-G-A. GRCh37 (hg19) VCF-style: chr17-36489862-G-A.
Other names: short protein forms T615I.
Identifiers: ClinVar variation 1373619 (VCV001373619.6), dbSNP rs2144268092, ClinGen allele CA398885797.